The following is an entry in ClinVar:

ClinVar aggregate classification (germline): Pathogenic (1 of 4 stars; one submission).

Conditions:
Glycogen storage disease, type IV (GSD4). Also called: AMYLOPECTINOSIS; ANDERSEN DISEASE; BRANCHER DEFICIENCY; CIRRHOSIS, FAMILIAL, WITH DEPOSITION OF ABNORMAL GLYCOGEN; Glycogen storage disease due to glycogen branching enzyme deficiency; GBE1 DEFICIENCY. Identifiers: Orphanet 367, MedGen C0017923, MONDO:0009292, OMIM 232500.
Glycogen storage disease IV, classic hepatic. Also called: GSD IV, CLASSIC HEPATIC. Identifiers: MedGen C1856301.

Submission:

Labcorp Genetics (formerly Invitae), Labcorp
Classification: Pathogenic for Glycogen storage disease, type IV; Glycogen storage disease IV, classic hepatic. Last evaluated: 2022-09-03. Review status: criteria provided, single submitter. Criteria: Invitae Variant Classification Sherloc (09022015). Collection method: clinical testing. Allele origin: germline.
Comment: For these reasons, this variant has been classified as Pathogenic. A similar copy number variant has been observed in individual(s) with glycogen storage disease IV (PMID: 21917543). In at least one individual the data is consistent with being in trans (on the opposite chromosome) from a pathogenic variant. This variant is a gross deletion of the genomic region encompassing exon(s) 2-7 of the GBE1 gene. This variant would be expected to be in-frame, preserving the integrity of the reading frame.

Literature cited by the submitters: PubMed 21917543.

NC_000003.11:g.(?_81691922)_(81754774_?)del

Gene: GBE1 (1,4-alpha-glucan branching enzyme 1; minus strand). Cytogenetic location: 3p12.2.
Variant type: Deletion.
Identifiers: ClinVar variation 2422488 (VCV002422488.4).